The following is an entry in ClinVar:

NM_012431.3(SEMA3E):c.1522G>A (p.Ala508Thr)

Gene: SEMA3E (semaphorin 3E; minus strand). Cytogenetic location: 7q21.11.
Variant type: single nucleotide variant.
Coding change: c.1522G>A on transcript NM_012431.3 (MANE Select); coding-DNA position 1522, G replaced by A.
Protein change: p.Ala508Thr; replaces alanine 508 with threonine.
Molecular consequence: missense variant.
Genome position (GRCh38, 1-based): chr7:83,392,700, C>T on the plus strand (G>A on the coding strand, the complement: SEMA3E is on the minus strand). VCF-style: chr7-83392700-C-T. GRCh37 (hg19) VCF-style: chr7-83022016-C-T.
Other names: c.1522G>A (NM_012431.2); c.1342G>A, p.Ala448Thr (NM_001178129.2); short protein forms A508T, A448T.
Identifiers: ClinVar variation 1502876 (VCV001502876.12), dbSNP rs758060734, ClinGen allele CA4321975.

ClinVar aggregate classification (germline): Uncertain significance. Review status: criteria provided, multiple submitters, no conflicts (2 of 4 stars). 3 submissions from 3 submitters: Uncertain significance (3). Last evaluated 2026-06-17.

Conditions:
SEMA3E-related disorder. Also called: SEMA3E-related condition.
CHARGE syndrome (CHARGE). Also called: Coloboma, heart anomaly, choanal atresia, retardation, genital and ear anomalies; CHARGE association; Hall-Hittner syndrome; Hittner Hirsch Kreh syndrome; CHARGE ASSOCIATION--COLOBOMA, HEART ANOMALY, CHOANAL ATRESIA, RETARDATION, GENITAL AND EAR ANOMALIES. Identifiers: Orphanet 138, MedGen C0265354, MONDO:0008965.

Allele frequency attached by ClinVar (database versions not stated): ExAC 0.00002; gnomAD exomes 0.00004 and 0.00008; gnomAD 0.00021 and 0.00024; TOPMed 0.00023.
gnomAD v4.1: 58 of 1,613,700 alleles (0.0036%); highest among the groups gnomAD compares: Admixed American, 0.097%; no homozygotes.

Submissions (3):

PreventionGenetics, part of Exact Sciences
Classification: Uncertain significance for SEMA3E-related condition. Last evaluated: 2026-06-17. Review status: criteria provided, single submitter. Criteria: ACMG Guidelines, 2015. Collection method: clinical testing. Allele origin: germline.
Comment: The SEMA3E c.1522G>A variant is predicted to result in the amino acid substitution p.Ala508Thr. To our knowledge, this variant has not been reported in the literature. This variant is reported in 0.062% of alleles in individuals of Latino descent in gnomAD. Although we suspect that this variant may be benign, at this time, the clinical significance of this variant is uncertain due to the absence of conclusive functional and genetic evidence.

Labcorp Genetics (formerly Invitae), Labcorp
Classification: Uncertain significance for CHARGE syndrome. Last evaluated: 2026-01-09. Review status: criteria provided, single submitter. Criteria: Invitae Variant Classification Sherloc (09022015). Collection method: clinical testing. Allele origin: germline.
Comment: This sequence change replaces alanine, which is neutral and non-polar, with threonine, which is neutral and polar, at codon 508 of the SEMA3E protein (p.Ala508Thr). This variant is present in population databases (rs758060734, gnomAD 0.06%), and has an allele count higher than expected for a pathogenic variant. This variant has not been reported in the literature in individuals affected with SEMA3E-related conditions. ClinVar contains an entry for this variant (Variation ID: 1502876). Invitae Evidence Modeling of protein sequence and biophysical properties (such as structural, functional, and spatial information, amino acid conservation, physicochemical variation, residue mobility, and thermodynamic stability) indicates that this missense variant is not expected to disrupt SEMA3E protein function with a negative predictive value of 80%. In summary, the available evidence is currently insufficient to determine the role of this variant in disease. Therefore, it has been classified as a Variant of Uncertain Significance.

Ambry Genetics
Classification: Uncertain significance. Last evaluated: 2024-12-14. Review status: criteria provided, single submitter. Criteria: Ambry Variant Classification Scheme 2023. Collection method: clinical testing. Allele origin: germline.